The following is an entry in ClinVar:

NM_006466.4(POLR3F):c.407_409del (p.Ile136del)

Gene: POLR3F (RNA polymerase III subunit F; plus strand). Cytogenetic location: 20p11.23.
Variant type: Deletion.
Coding change: c.407_409del on transcript NM_006466.4 (MANE Select); coding-DNA positions 407 to 409, 3 bases deleted (TCA; older notation c.407_409delTCA).
Protein change: p.Ile136del; deletes isoleucine 136.
Molecular consequence: non-coding transcript variant (on NR_104209.2).
Genome position (GRCh38, 1-based): chr20:18,475,165-18,475,167, TCA deleted; deleting any 3 consecutive bases within chr20:18,475,164-18,475,167 gives the same sequence; the c. name uses the placement nearest the transcript's 3' end. VCF-style (leftmost placement, unchanged base first): chr20-18475163-TATC-T. GRCh37 (hg19) VCF-style: chr20-18455807-TATC-T.
Other names: c.284_286del, p.Ile95del (NM_001282526.2); c.407_409del, p.Ile136del (NM_001410821.1); short protein forms I136del, I95del.
Identifiers: ClinVar variation 3686658 (VCV003686658.2).

ClinVar aggregate classification (germline): Uncertain significance (1 of 4 stars; one submission).

Submission:

Labcorp Genetics (formerly Invitae), Labcorp
Classification: Uncertain significance. Last evaluated: 2024-02-20. Review status: criteria provided, single submitter. Criteria: Invitae Variant Classification Sherloc (09022015). Collection method: clinical testing. Allele origin: germline.
Comment: This variant, c.284_286del, results in the deletion of 1 amino acid(s) of the POLR3F protein (p.Ile95del), but otherwise preserves the integrity of the reading frame. This variant is not present in population databases (gnomAD no frequency). This variant has not been reported in the literature in individuals affected with POLR3F-related conditions. Experimental studies and prediction algorithms are not available or were not evaluated, and the functional significance of this variant is currently unknown. In summary, the available evidence is currently insufficient to determine the role of this variant in disease. Therefore, it has been classified as a Variant of Uncertain Significance.